The following is an entry in ClinVar:

NM_201384.3(PLEC):c.4855G>A (p.Glu1619Lys)

Gene: PLEC (plectin; minus strand). Cytogenetic location: 8q24.3.
Variant type: single nucleotide variant.
Coding change: c.4855G>A on transcript NM_201384.3 (MANE Select); coding-DNA position 4855, G replaced by A.
Protein change: p.Glu1619Lys; replaces glutamic acid 1619 with lysine.
Molecular consequence: missense variant.
Genome position (GRCh38, 1-based): chr8:143,925,074, C>T on the plus strand (G>A on the coding strand, the complement: PLEC is on the minus strand). VCF-style: chr8-143925074-C-T. GRCh37 (hg19) VCF-style: chr8-144999242-C-T.
Other names: c.4936G>A, p.Glu1646Lys (NM_000445.5); c.4813G>A, p.Glu1605Lys (NM_201378.4); c.4789G>A, p.Glu1597Lys (NM_201379.3); c.5266G>A, p.Glu1756Lys (NM_201380.4); c.4759G>A, p.Glu1587Lys (NM_201381.3); c.4855G>A, p.Glu1619Lys (NM_201382.4); c.4867G>A, p.Glu1623Lys (NM_201383.3); short protein forms E1587K, E1597K, E1605K, E1623K, E1619K, E1646K, E1756K.
Identifiers: ClinVar variation 282493 (VCV000282493.21), dbSNP rs782026068, ClinGen allele CA4926521.

ClinVar aggregate classification (germline): Conflicting classifications of pathogenicity. Review status: criteria provided, conflicting classifications (1 of 4 stars). 7 submissions from 7 submitters: Uncertain significance (6); Likely benign (1). Last evaluated 2026-01-17.

Conditions:
Inborn genetic diseases. Identifiers: MedGen C0950123, MeSH D030342.
Epidermolysis bullosa simplex 5B, with muscular dystrophy (EBS5B). Also called: EPIDERMOLYSIS BULLOSA SIMPLEX AND LIMB-GIRDLE MUSCULAR DYSTROPHY; Epidermolysis bullosa simplex with muscular dystrophy. Identifiers: Orphanet 257, MedGen C2931072, MONDO:0009181, OMIM 226670.
Epidermolysis bullosa simplex with nail dystrophy (EBS5D). Identifiers: MedGen C4225309, MONDO:0014661, OMIM 616487.
Autosomal recessive limb-girdle muscular dystrophy type 2Q (LGMDR17). Also called: MUSCULAR DYSTROPHY, LIMB-GIRDLE, AUTOSOMAL RECESSIVE 17. Identifiers: Orphanet 254361, MedGen C3150989, MONDO:0013390, OMIM 613723.
Epidermolysis bullosa simplex 5C, with pyloric atresia (EBS5C). Also called: PLEC1-Related Epidermolysis Bullosa with Pyloric Atresia; PLEC-Related Epidermolysis Bullosa with Pyloric Atresia; Epidermolysis bullosa simplex with pyloric atresia. Identifiers: Orphanet 158684, MedGen C2677349, MONDO:0012807, OMIM 612138.
Epidermolysis bullosa simplex, Ogna type (EBS5A). Also called: Pidermolysis bullosa simplex 5A, Ogna type; EPIDERMOLYSIS BULLOSA SIMPLEX 5A, OGNA TYPE. Identifiers: Orphanet 79401, MedGen C0432317, MONDO:0007555, OMIM 131950.

Allele frequency attached by ClinVar (database versions not stated): ExAC 0.00007; gnomAD 0.00008 and 0.00009; gnomAD exomes 0.00010; TOPMed 0.00011; 1000 Genomes Project 30x 0.00016.
gnomAD v4.1: 145 of 1,539,548 alleles (0.0094%); highest among the groups gnomAD compares: Middle Eastern, 0.036%; no homozygotes.

Submissions (7):

Labcorp Genetics (formerly Invitae), Labcorp
Classification: Uncertain significance for Autosomal recessive limb-girdle muscular dystrophy type 2Q; Epidermolysis bullosa simplex, Ogna type; Epidermolysis bullosa simplex with nail dystrophy; Epidermolysis bullosa simplex 5C, with pyloric atresia; Epidermolysis bullosa simplex 5B, with muscular dystrophy. Last evaluated: 2026-01-17. Review status: criteria provided, single submitter. Criteria: Invitae Variant Classification Sherloc (09022015). Collection method: clinical testing. Allele origin: germline.
Comment: This sequence change replaces glutamic acid, which is acidic and polar, with lysine, which is basic and polar, at codon 1646 of the PLEC protein (p.Glu1646Lys). This variant is present in population databases (rs782026068, gnomAD 0.02%). This variant has not been reported in the literature in individuals affected with PLEC-related conditions. ClinVar contains an entry for this variant (Variation ID: 282493). Invitae Evidence Modeling of protein sequence and biophysical properties (such as structural, functional, and spatial information, amino acid conservation, physicochemical variation, residue mobility, and thermodynamic stability) has been performed for this missense variant. However, the output from this modeling did not meet the statistical confidence thresholds required to predict the impact of this variant on PLEC protein function. In summary, the available evidence is currently insufficient to determine the role of this variant in disease. Therefore, it has been classified as a Variant of Uncertain Significance.

Women's Health and Genetics/Laboratory Corporation of America, LabCorp
Classification: Uncertain significance. Last evaluated: 2025-10-27. Review status: criteria provided, single submitter. Criteria: LabCorp Variant Classification Summary - May 2015. Collection method: clinical testing. Allele origin: germline.
Comment: Variant summary: PLEC c.4936G>A (p.Glu1646Lys) results in a conservative amino acid change in the encoded protein sequence. Algorithms developed to predict the effect of missense changes on protein structure and function are either unavailable or do not agree on the potential impact of this missense change. The variant allele was found at a frequency of 0.0001 in 134326 control chromosomes. This frequency is not significantly higher than estimated for disease-causing variants in PLEC, allowing no conclusion about variant significance. c.4936G>A has been observed in an individual affected with Epidermolysis bullosa (Mariath_2019). This report does not provide unequivocal conclusions about association of the variant with Epidermolysis bullosa simplex. To our knowledge, no experimental evidence demonstrating an impact on protein function has been reported. The following publication has been ascertained in the context of this evaluation (PMID: 31001817). ClinVar contains an entry for this variant (Variation ID: 282493). Based on the evidence outlined above, the variant was classified as uncertain significance.

Revvity Omics, Revvity
Classification: Uncertain significance. Last evaluated: 2024-08-23. Review status: criteria provided, single submitter. Criteria: ACMG Guidelines, 2015. Collection method: clinical testing. Allele origin: germline.

Blueprint Genetics
Classification: Uncertain significance. Last evaluated: 2024-07-17. Review status: criteria provided, single submitter. Criteria: ACMG Guidelines, 2015. Collection method: clinical testing. Allele origin: germline.

Ambry Genetics
Classification: Uncertain significance for Inborn genetic diseases. Last evaluated: 2022-03-25. Review status: criteria provided, single submitter. Criteria: Ambry Variant Classification Scheme 2023. Collection method: clinical testing. Allele origin: germline.

GeneDx
Classification: Likely benign. Last evaluated: 2019-01-17. Review status: criteria provided, single submitter. Criteria: GeneDx Variant Classification Process June 2021. Collection method: clinical testing. Allele origin: germline. Affected: yes.

Eurofins Ntd Llc (ga)
Classification: Uncertain significance. Last evaluated: 2015-09-08. Review status: criteria provided, single submitter. Criteria: EGL Classification Definitions 2015. Collection method: clinical testing. Allele origin: germline. Observed: 1 variant allele, 1 heterozygote.

Literature cited by the submitters: PubMed 31001817 (cited by Women's Health and Genetics/Laboratory Corporation of America, LabCorp).